The following is an entry in ClinVar:

ClinVar aggregate classification (germline): Uncertain significance (1 of 4 stars; one submission).

Conditions:
Melnick-Needles syndrome (MNS). Also called: MELNICK-NEEDLES OSTEODYSPLASTY; OSTEODYSPLASTY OF MELNICK AND NEEDLES; Melnick-Needles Syndrome (FLNA-MNS). Identifiers: Orphanet 2484, MedGen C0025237, MONDO:0010650, OMIM 309350.
Frontometaphyseal dysplasia (FMD1). Identifiers: Orphanet 1826, MedGen C0265293, MONDO:0015942.
Heterotopia, periventricular, X-linked dominant (PVNH1). Also called: PERIVENTRICULAR NODULAR HETEROTOPIA 1; X-linked periventricular heterotopia; PERIVENTRICULAR NODULAR HETEROTOPIA 4; HETEROTOPIA, PERIVENTRICULAR, 1. Identifiers: Orphanet 2149, Orphanet 82004, MedGen C1848213, MONDO:0010233, OMIM 300049.
Oto-palato-digital syndrome, type II (OPD2). Also called: FACIOPALATOOSSEOUS SYNDROME; OPD II SYNDROME; Otopalatodigital Syndrome, Type II; Otopalatodigital Syndrome Type 2 (FLNA-OPD2). Identifiers: Orphanet 669, Orphanet 90652, MedGen C1844696, MONDO:0010571, OMIM 304120.

Submission:

Labcorp Genetics (formerly Invitae), Labcorp
Classification: Uncertain significance for Oto-palato-digital syndrome, type II; Heterotopia, periventricular, X-linked dominant; Frontometaphyseal dysplasia; Melnick-Needles syndrome. Last evaluated: 2024-11-27. Review status: criteria provided, single submitter. Criteria: Invitae Variant Classification Sherloc (09022015). Collection method: clinical testing. Allele origin: germline.
Comment: This sequence change replaces proline, which is neutral and non-polar, with alanine, which is neutral and non-polar, at codon 2026 of the FLNA protein (p.Pro2026Ala). This variant is not present in population databases (gnomAD no frequency). This variant has not been reported in the literature in individuals affected with FLNA-related conditions. Invitae Evidence Modeling of protein sequence and biophysical properties (such as structural, functional, and spatial information, amino acid conservation, physicochemical variation, residue mobility, and thermodynamic stability) has been performed for this missense variant. However, the output from this modeling did not meet the statistical confidence thresholds required to predict the impact of this variant on FLNA protein function. In summary, the available evidence is currently insufficient to determine the role of this variant in disease. Therefore, it has been classified as a Variant of Uncertain Significance.

NM_001110556.2(FLNA):c.6100C>G (p.Pro2034Ala)

Gene: FLNA (filamin A; minus strand). Cytogenetic location: Xq28.
Variant type: single nucleotide variant.
Coding change: c.6100C>G on transcript NM_001110556.2 (MANE Select); coding-DNA position 6100, C replaced by G.
Protein change: p.Pro2034Ala; replaces proline 2034 with alanine.
Molecular consequence: missense variant.
Genome position (GRCh38, 1-based): chrX:154,353,127, G>C on the plus strand (C>G on the coding strand, the complement: FLNA is on the minus strand). VCF-style: chrX-154353127-G-C. GRCh37 (hg19) VCF-style: chrX-153581495-G-C.
Other names: c.6076C>G, p.Pro2026Ala (NM_001456.4); short protein forms P2026A, P2034A.
Identifiers: ClinVar variation 3753973 (VCV003753973.2).